The following is an entry in ClinVar:

ClinVar aggregate classification (germline): Conflicting classifications of pathogenicity. Review status: criteria provided, conflicting classifications (1 of 4 stars). 2 submissions from 2 submitters: Pathogenic (1); Uncertain significance (1). Last evaluated 2022-06-24.

Conditions:
X-linked Alport syndrome (ATS1). Also called: COL4A5-Related Nephropathy; NEPHROPATHY AND DEAFNESS, X-LINKED. Identifiers: Orphanet 63, Orphanet 88917, MedGen C4746986, MONDO:0010520, OMIM 301050.

Submissions (2):

Victorian Clinical Genetics Services, Murdoch Childrens Research Institute
Classification: Pathogenic for X-linked Alport syndrome. Last evaluated: 2022-06-24. Review status: criteria provided, single submitter. Criteria: ACMG Guidelines, 2015. Collection method: clinical testing. Allele origin: germline. Inheritance: X-linked dominant inheritance. Affected: yes.
Comment: Based on the classification scheme VCGS_Germline_v1.3.4, this variant is classified as Pathogenic. The following criteria are met: 0103 - Dominant negative and loss of function are known mechanisms of disease in this gene and are associated with Alport syndrome 1 (MIM#301050). A dominant negative mechanism is caused by missense variants resulting in glycine substitutions that affect the conformation of the protein. Loss of function is caused by both protein truncating and missense variants (PMID: 24046192, PMID: 12028435). (I) 0110 - This gene is associated with X-linked dominant disease. (I) 0200 - Variant is predicted to result in a missense amino acid change from glycine to serine. (I) 0253 - This variant is hemizygous. (I) 0301 - Variant is absent from gnomAD (both v2 and v3). (SP) 0501 - Missense variant consistently predicted to be damaging by multiple in silico tools or highly conserved with a major amino acid change. (SP) 0601 - Variant is located in the well-established triple helical Gly-X-Y repeat region, and affects a glycine residue (Uniprot, DECIPHER). (SP) 0705 - No comparable missense variants have previous evidence for pathogenicity. (I) 0803 - This variant has limited previous evidence of pathogenicity in unrelated individuals. It has been reported in at least two individuals with Alport syndrome (PMID: 35155874, internal VCGS cohort). (SP) 0905 - No published segregation evidence has been identified for this variant. (I) 1007 - No published functional evidence has been identified for this variant. (I) 1102 - Strong phenotype match for this individual. (SP) 1208 - Inheritance information for this variant is not currently available in this individual. (I) Legend: (SP) - Supporting pathogenic, (I) - Information, (SB) - Supporting benign

Department of Nephrology, Rheumatology and Immunology, Shanghai Children's Hospital
Classification: Uncertain significance for X-linked Alport syndrome. Last evaluated: 2015-01-15. Review status: criteria provided, single submitter. Criteria: ACMG Guidelines, 2015. Collection method: clinical testing. Allele origin: maternal. Affected: yes. Observed: 1 variant allele.
Comment: The NM_000495.5(COL4A5):c.358G>A (p.Gly120Ser) is a missense variant in COL4A5. This variant is absent in the gnomAD v3.1.2 (GRCh38) population database (PM2). However, the pedigree size is currently limited to support a higher classification. Multiple computational tools predict this variant to have a deleterious effect on the protein product (PP3). In summary, this variant meets criteria to be classified as Uncertain Significance for Alport syndrome based on the ACMG/AMP 2015 criteria applied: PM2, PP1, PP3, PP4.

Literature cited by the submitters: PubMed 12028435 (cited by Victorian Clinical Genetics Services, Murdoch Childrens Research Institute); PubMed 24046192 (cited by Victorian Clinical Genetics Services, Murdoch Childrens Research Institute); PubMed 35155874 (cited by Victorian Clinical Genetics Services, Murdoch Childrens Research Institute).

NM_033380.3(COL4A5):c.358G>A (p.Gly120Ser)

Gene: COL4A5 (collagen type IV alpha 5 chain; plus strand). Cytogenetic location: Xq22.3.
Variant type: single nucleotide variant.
Coding change: c.358G>A on transcript NM_033380.3 (MANE Select); coding-DNA position 358, G replaced by A.
Protein change: p.Gly120Ser; replaces glycine 120 with serine.
Molecular consequence: missense variant.
Genome position (GRCh38, 1-based): chrX:108,568,795, G>A. VCF-style: chrX-108568795-G-A. GRCh37 (hg19) VCF-style: chrX-107812025-G-A.
Other names: c.358G>A, p.Gly120Ser (NM_000495.5); short protein forms G120S.
Identifiers: ClinVar variation 3254657 (VCV003254657.2), dbSNP rs2524196968.